The following is an entry in ClinVar:

NM_000051.4(ATM):c.5795T>G (p.Phe1932Cys)

Genes: ATM (ATM serine/threonine kinase; plus strand), C11orf65 (chromosome 11 open reading frame 65; minus strand). Cytogenetic location: 11q22.3.
Variant type: single nucleotide variant.
Coding change: c.5795T>G on transcript NM_000051.4 (MANE Select); coding-DNA position 5795, T replaced by G.
Protein change: p.Phe1932Cys; replaces phenylalanine 1932 with cysteine.
Molecular consequence: missense variant. On other transcripts: intron variant (2).
Genome position (GRCh38, 1-based): chr11:108,310,192, T>G. VCF-style: chr11-108310192-T-G. GRCh37 (hg19) VCF-style: chr11-108180919-T-G.
Other names: c.5795T>G, p.Phe1932Cys (NM_001351834.2); c.641-1121A>C (NM_001330368.2); c.*39-1121A>C (NM_001351110.2); short protein forms F1932C.
Identifiers: ClinVar variation 825973 (VCV000825973.12), dbSNP rs1591745679, ClinGen allele CA382548341.

ClinVar aggregate classification (germline): Uncertain significance. Review status: criteria provided, multiple submitters, no conflicts (2 of 4 stars). 2 submissions from 2 submitters: Uncertain significance (2). Last evaluated 2025-11-05.

Conditions:
Hereditary cancer-predisposing syndrome. Also called: Tumor predisposition; Neoplastic Syndromes, Hereditary; Hereditary Cancer Syndrome; Hereditary neoplastic syndrome. Identifiers: Orphanet 140162, MedGen C0027672, MeSH D009386, MONDO:0015356.
Ataxia-telangiectasia syndrome (AT). Also called: ATAXIA-TELANGIECTASIA, COMPLEMENTATION GROUP A; ATAXIA-TELANGIECTASIA, FRESNO VARIANT; Ataxia-telangiectasia; Ataxia-telangiectasia, complementation group D; AT, COMPLEMENTATION GROUP C; Ataxia-telangiectasia, complementation group E. Identifiers: Orphanet 100, MedGen C0004135, MONDO:0008840, OMIM 208900.

Submissions (2):

Ambry Genetics
Classification: Uncertain significance for Hereditary cancer-predisposing syndrome. Last evaluated: 2025-11-05. Review status: criteria provided, single submitter. Criteria: Ambry Variant Classification Scheme 2023. Collection method: clinical testing. Allele origin: germline.
Comment: The p.F1932C variant (also known as c.5795T>G), located in coding exon 38 of the ATM gene, results from a T to G substitution at nucleotide position 5795. The phenylalanine at codon 1932 is replaced by cysteine, an amino acid with highly dissimilar properties. In an assay testing ATM function, this variant showed a functionally normal result (Lee KS et al. Cell, 2025 Sep;188:5081-5099.e27). This amino acid position is highly conserved in available vertebrate species. In addition, this alteration is predicted to be deleterious by in silico analysis. Based on the available evidence, the clinical significance of this variant remains unclear.

Labcorp Genetics (formerly Invitae), Labcorp
Classification: Uncertain significance for Ataxia-telangiectasia syndrome. Last evaluated: 2024-04-04. Review status: criteria provided, single submitter. Criteria: Invitae Variant Classification Sherloc (09022015). Collection method: clinical testing. Allele origin: germline.
Comment: This sequence change replaces phenylalanine, which is neutral and non-polar, with cysteine, which is neutral and slightly polar, at codon 1932 of the ATM protein (p.Phe1932Cys). This variant is not present in population databases (gnomAD no frequency). This variant has not been reported in the literature in individuals affected with ATM-related conditions. ClinVar contains an entry for this variant (Variation ID: 825973). An algorithm developed to predict the effect of missense changes on protein structure and function (PolyPhen-2) suggests that this variant is likely to be disruptive. In summary, the available evidence is currently insufficient to determine the role of this variant in disease. Therefore, it has been classified as a Variant of Uncertain Significance.

Literature cited by the submitters: PubMed 40580951 (cited by Ambry Genetics).